The following is an entry in ClinVar:

NM_001039348.3(EFEMP1):c.1407A>G (p.Thr469=)

Gene: EFEMP1 (EGF-like fibulin extracellular matrix protein 1; minus strand). Cytogenetic location: 2p16.1.
Variant type: single nucleotide variant.
Coding change: c.1407A>G on transcript NM_001039348.3 (MANE Select); coding-DNA position 1407, A replaced by G.
Protein change: p.Thr469=; no amino-acid change (threonine 469 retained).
Molecular consequence: synonymous variant.
Genome position (GRCh38, 1-based): chr2:55,867,148, T>C on the plus strand (A>G on the coding strand, the complement: EFEMP1 is on the minus strand). VCF-style: chr2-55867148-T-C. GRCh37 (hg19) VCF-style: chr2-56094283-T-C.
Other names: c.1407A>G, p.Thr469= (NM_001039349.3).
Identifiers: ClinVar variation 3655727 (VCV003655727.2).

ClinVar aggregate classification (germline): Uncertain significance (1 of 4 stars; one submission).

gnomAD v4.1: 12 of 1,613,840 alleles (0.00074%); highest among the groups gnomAD compares: Admixed American, 0.017%; no homozygotes.

Submission:

Labcorp Genetics (formerly Invitae), Labcorp
Classification: Uncertain significance. Last evaluated: 2024-06-11. Review status: criteria provided, single submitter. Criteria: Invitae Variant Classification Sherloc (09022015). Collection method: clinical testing. Allele origin: germline.
Comment: This sequence change affects codon 469 of the EFEMP1 mRNA. It is a 'silent' change, meaning that it does not change the encoded amino acid sequence of the EFEMP1 protein. This variant is present in population databases (no rsID available, gnomAD 0.009%). This variant has not been reported in the literature in individuals affected with EFEMP1-related conditions. Algorithms developed to predict the effect of sequence changes on RNA splicing suggest that this variant may create or strengthen a splice site. In summary, the available evidence is currently insufficient to determine the role of this variant in disease. Therefore, it has been classified as a Variant of Uncertain Significance.